The following is an entry in ClinVar:

ClinVar aggregate classification (germline): Likely benign (0 of 4 stars; one submission).

Conditions:
AKR1C4-related disorder. Also called: AKR1C4-related condition.

Submission:

PreventionGenetics, part of Exact Sciences
Classification: Likely benign for AKR1C4-related condition. Last evaluated: 2022-04-04. Review status: no assertion criteria provided. Collection method: clinical testing. Allele origin: germline.
Comment: This variant is classified as likely benign based on ACMG/AMP sequence variant interpretation guidelines (Richards et al. 2015 PMID: 25741868, with internal and published modifications).

NM_001818.5(AKR1C4):c.216C>T (p.Gly72=)

Gene: AKR1C4 (aldo-keto reductase family 1 member C4; plus strand). Cytogenetic location: 10p15.1.
Variant type: single nucleotide variant.
Coding change: c.216C>T on transcript NM_001818.5 (MANE Select); coding-DNA position 216, C replaced by T.
Protein change: p.Gly72=; no amino-acid change (glycine 72 retained).
Molecular consequence: synonymous variant.
Genome position (GRCh38, 1-based): chr10:5,200,312, C>T. VCF-style: chr10-5200312-C-T. GRCh37 (hg19) VCF-style: chr10-5242275-C-T.
Identifiers: ClinVar variation 3054633 (VCV003054633.2), dbSNP rs2491041013, ClinGen allele CA467991934.
Genomic context (GRCh38, chr10:5,200,312, plus strand): 5'-TTATTTATACAATAATGAGGAGCAGGTTGGACTGGCCATCCGAAGCAAGATTGCAGATGG[C>T]AGTGTGAAGAGAGAAGACATATTCTACACTTCAAAGGTACTGTGCCTATGATGAGCATGT-3'
Protein context (NP_001809.4, residues 62-82): GLAIRSKIAD[Gly72=]SVKREDIFYT